The following is an entry in ClinVar:

NM_000701.8(ATP1A1):c.2809_2819del (p.Cys937fs)

Genes: ATP1A1 (ATPase Na+/K+ transporting subunit alpha 1; plus strand), ATP1A1-AS1 (ATP1A1 antisense RNA 1; minus strand). Cytogenetic location: 1p13.1.
Variant type: Deletion.
Coding change: c.2809_2819del on transcript NM_000701.8 (MANE Select); coding-DNA positions 2809 to 2819, 11 bases deleted (TGTAAGACCAG).
Protein change: p.Cys937fs; shifts the reading frame from cysteine 937.
Molecular consequence: frameshift variant.
Genome position (GRCh38, 1-based): chr1:116,401,220-116,401,230, TGTAAGACCAG deleted. VCF-style (leftmost placement, unchanged base first): chr1-116401219-CTGTAAGACCAG-C. GRCh37 (hg19) VCF-style: chr1-116943841-CTGTAAGACCAG-C.
Other names: c.2809_2819del, p.Cys937fs (NM_001160233.2); c.2716_2726del, p.Cys906fs (NM_001160234.2); short protein forms C906fs, C937fs.
Identifiers: ClinVar variation 995868 (VCV000995868.5), dbSNP rs1653448255, ClinGen allele CA1139656274.
Genomic context (GRCh38, chr1:116,401,219, plus strand): 5'-CACCTGCCACACAGCCTTCTTCGTCAGTATCGTGGTGGTGCAGTGGGCCGACTTGGTCAT[CTGTAAGACCAG>C]GAGGAATTCGGTCTTCCAGCAGGGGATGAAGTAAGTAATGAAGGACATGTCAAGGCCTTG-3'

ClinVar aggregate classification (germline): Likely pathogenic (1 of 4 stars; one submission).

Conditions:
Charcot-Marie-tooth disease, axonal, type 2DD. Also called: CHARCOT-MARIE-TOOTH NEUROPATHY, TYPE 2DD. Identifiers: Orphanet 521414, MedGen C4747974, MONDO:0054833, OMIM 618036.

Submission:

Institute of Human Genetics, University of Goettingen
Classification: Likely pathogenic for Charcot-Marie-tooth disease, axonal, type 2DD. Last evaluated: 2021-01-18. Review status: criteria provided, single submitter. Criteria: ACMG Guidelines, 2015. Collection method: clinical testing. Allele origin: unknown. Inheritance: Autosomal dominant inheritance. Observed: 1 variant allele, 1 heterozygote.
Comment: The variant c.2809_2819del (p.(Cys937Glufs*20)) in exon 20 of the ATP1A1-gene is not found in known databases (ExAC or gnomAD) and leads to a frameshift within the coding sequence of the ATP1A1-gene, within a protein domain, resulting in a truncated protein. Thus, we classify this variant as a likely pathogenic varaint. ACMG criteria used for classification: PVS1, PM2.